The following is an entry in ClinVar:

NM_000492.4(CFTR):c.3368-3T>C

Genes: CFTR (CF transmembrane conductance regulator; plus strand), CFTR-AS2 (CFTR antisense RNA 2; minus strand). Cytogenetic location: 7q31.2.
Variant type: single nucleotide variant.
Coding change: c.3368-3T>C on transcript NM_000492.4 (MANE Select); 3 bases into the intron before coding-DNA position 3368, T replaced by C.
Molecular consequence: intron variant.
Genome position (GRCh38, 1-based): chr7:117,614,610, T>C. VCF-style: chr7-117614610-T-C. GRCh37 (hg19) VCF-style: chr7-117254664-T-C.
Other names: c.3368-3T>C (NM_000492.3).
Identifiers: ClinVar variation 1393358 (VCV001393358.6), dbSNP rs2116096154, ClinGen allele CA2573141554.

ClinVar aggregate classification (germline): Uncertain significance. Review status: criteria provided, multiple submitters, no conflicts (2 of 4 stars). 2 submissions from 2 submitters: Uncertain significance (2). Last evaluated 2026-02-18.

Conditions:
Cystic fibrosis (CF). Also called: MUCOVISCIDOSIS. Identifiers: Orphanet 586, MedGen C0010674, MONDO:0009061, OMIM 219700. Disease mechanism: loss of function.

Allele frequency attached by ClinVar (database versions not stated): gnomAD exomes below 0.00001.
gnomAD v4.1: 1 of 1,594,968 alleles (0.000063%); highest among the groups gnomAD compares: Non-Finnish European, 0.000086%; no homozygotes.

Submissions (2):

Ambry Genetics
Classification: Uncertain significance for Cystic fibrosis. Last evaluated: 2026-02-18. Review status: criteria provided, single submitter. Criteria: Ambry Variant Classification Scheme 2023. Collection method: clinical testing. Allele origin: germline.
Comment: The c.3368-3T>C intronic variant results from a T to C substitution 3 nucleotides upstream from coding exon 21 in the CFTR gene. This nucleotide position is not well conserved in available vertebrate species. In silico splice site analysis predicts that this alteration will not have any significant effect on splicing. Based on the available evidence, the clinical significance of this variant remains unclear.

Labcorp Genetics (formerly Invitae), Labcorp
Classification: Uncertain significance for Cystic fibrosis. Last evaluated: 2021-09-16. Review status: criteria provided, single submitter. Criteria: Invitae Variant Classification Sherloc (09022015). Collection method: clinical testing. Allele origin: germline.
Comment: This sequence change falls in intron 20 of the CFTR gene. It does not directly change the encoded amino acid sequence of the CFTR protein, but it affects a nucleotide within the consensus splice site of the intron. This variant is not present in population databases (ExAC no frequency). This variant has not been reported in the literature in individuals with CFTR-related conditions. Nucleotide substitutions within the consensus splice site are a relatively common cause of aberrant splicing (PMID: 17576681, 9536098). In summary, the available evidence is currently insufficient to determine the role of this variant in disease. Therefore, it has been classified as a Variant of Uncertain Significance.

Literature cited by the submitters: PubMed 17576681 (cited by Labcorp Genetics (formerly Invitae), Labcorp); PubMed 9536098 (cited by Labcorp Genetics (formerly Invitae), Labcorp).